The following is an entry in ClinVar:

ClinVar aggregate classification (germline): Likely benign (1 of 4 stars; one submission).

gnomAD v4.1: 135 of 1,613,468 alleles (0.0084%); highest among the groups gnomAD compares: East Asian, 0.013%; no homozygotes.

Submission:

CeGaT Center for Human Genetics Tuebingen
Classification: Likely benign. Last evaluated: 2026-09-01. Review status: criteria provided, single submitter. Criteria: CeGaT Center For Human Genetics Tuebingen Variant Classification Criteria Version 2. Collection method: clinical testing. Allele origin: germline. Affected: yes. Observed: 1 variant allele.
Comment: SRRM2: BP4, BP7

NM_016333.4(SRRM2):c.7602C>G (p.Ser2534=)

Gene: SRRM2 (serine/arginine repetitive matrix 2; plus strand). Cytogenetic location: 16p13.3.
Variant type: single nucleotide variant.
Coding change: c.7602C>G on transcript NM_016333.4 (MANE Select); coding-DNA position 7602, C replaced by G.
Protein change: p.Ser2534=; no amino-acid change (serine 2534 retained).
Molecular consequence: synonymous variant.
Genome position (GRCh38, 1-based): chr16:2,768,130, C>G. VCF-style: chr16-2768130-C-G. GRCh37 (hg19) VCF-style: chr16-2818131-C-G.
Identifiers: ClinVar variation 5041246 (VCV005041246.1).